The following continues an entry in ClinVar:

NM_001267550.2(TTN):c.68824G>A (p.Glu22942Lys)

ClinVar aggregate classification (germline): Conflicting classifications of pathogenicity. Uncertain significance (10); Benign (2); Likely benign (7).

Submissions 11 to 23 of 23:

Fulgent Genetics
Classification: Uncertain significance for Tibial muscular dystrophy; Myopathy, myofibrillar, 9, with early respiratory failure; Dilated cardiomyopathy 1G; Autosomal recessive limb-girdle muscular dystrophy type 2J; Early-onset myopathy with fatal cardiomyopathy; Hypertrophic cardiomyopathy 9. Last evaluated: 2018-10-31. Review status: criteria provided, single submitter. Criteria: ACMG Guidelines, 2015. Collection method: clinical testing. Allele origin: unknown.

Illumina Laboratory Services, Illumina
Classification: Uncertain significance for Autosomal recessive limb-girdle muscular dystrophy type 2J. Last evaluated: 2018-01-13. Review status: criteria provided, single submitter. Criteria: ICSL Variant Classification Criteria 13 December 2019. Collection method: clinical testing. Allele origin: germline.

Illumina Laboratory Services, Illumina
Classification: Uncertain significance for Dilated cardiomyopathy 1G. Last evaluated: 2018-01-13. Review status: criteria provided, single submitter. Criteria: ICSL Variant Classification Criteria 13 December 2019. Collection method: clinical testing. Allele origin: germline.

Illumina Laboratory Services, Illumina
Classification: Benign for Tibial muscular dystrophy. Last evaluated: 2018-01-13. Review status: criteria provided, single submitter. Criteria: ICSL Variant Classification Criteria 13 December 2019. Collection method: clinical testing. Allele origin: germline.
Comment: This variant was observed in the ICSL laboratory as part of a predisposition screen in an ostensibly healthy population. It had not been previously curated by ICSL or reported in the Human Gene Mutation Database (HGMD: prior to June 1st, 2018), and was therefore a candidate for classification through an automated scoring system. Utilizing variant allele frequency, disease prevalence and penetrance estimates, and inheritance mode, an automated score was calculated to assess if this variant is too frequent to cause the disease. Based on the score and internal cut-off values, a variant classified as benign is not then subjected to further curation. The score for this variant resulted in a classification of benign for this disease.

Illumina Laboratory Services, Illumina
Classification: Benign for Myopathy, myofibrillar, 9, with early respiratory failure. Last evaluated: 2018-01-13. Review status: criteria provided, single submitter. Criteria: ICSL Variant Classification Criteria 13 December 2019. Collection method: clinical testing. Allele origin: germline.
Comment: the same text as in the submission from Illumina Laboratory Services, Illumina above.

Illumina Laboratory Services, Illumina
Classification: Uncertain significance for Early-onset myopathy with fatal cardiomyopathy. Last evaluated: 2018-01-13. Review status: criteria provided, single submitter. Criteria: ICSL Variant Classification Criteria 13 December 2019. Collection method: clinical testing. Allele origin: germline.

Laboratory for Molecular Medicine, Mass General Brigham Personalized Medicine
Classification: Uncertain significance. Last evaluated: 2017-01-11. Review status: criteria provided, single submitter. Criteria: LMM Criteria. Collection method: clinical testing. Allele origin: germline. Observed: 2 variant alleles.
Comment: The p.Glu20374Lys variant in TTN has not been previously reported in individuals with cardiomyopathy, but has been identified in 25/63840 European chromosomes b y the Exome Aggregation Consortium (ExAC; dbSNP rs199506676). This variant has been reported in ClinVar (Variant ID: 96298). Com putational prediction tools and conservation analysis do not provide strong supp ort for or against an impact to the protein. However, this variant is located in the 5' splice region and may affect splicing. Some computational predictions su pport this but this information is not predictive enough to infer pathogenicity. In summary, the clinical significance of the p.Glu20374Lys variant is uncertain .

Eurofins Ntd Llc (ga)
Classification: Uncertain significance. Last evaluated: 2016-01-19. Review status: criteria provided, single submitter. Criteria: EGL Classification Definitions 2015. Collection method: clinical testing. Allele origin: germline. Observed: 7 variant alleles, 7 heterozygotes.

Cardiovascular Biomedical Research Unit, Royal Brompton & Harefield NHS Foundation Trust
Classification: Uncertain significance for Primary dilated cardiomyopathy. Last evaluated: 2014-10-08. Review status: criteria provided, single submitter. Criteria: Roberts et al. 2015. Collection method: research. Allele origin: germline. Inheritance: Autosomal dominant inheritance. Affected: no. Observed: 1 variant allele. Study: JHS cohort.
Comment: In the seven cohorts assessed, TTNtv were found in 14% of ambulant DCM, 22% end-stage or familial DCM, and 2% controls. Heterozygous nonsense, frameshift and canonical splice-disrupting variants found in constitutive and other highly utilised exons are highly likely to be pathogenic when identified in individuals with phenotypically confirmed DCM. TTNtv found incidentally in healthy individuals (excluding familial assessment of DCM relatives) are thought to have low penetrance, particularly when identified in exons that are not constitutively expressed in the heart.

Dr. Peter K. Rogan Lab, Western University
No classification provided (evidence only). Condition: Hepatocellular carcinoma. Review status: no classification provided. Collection method: in vitro. Allele origin: not applicable. Functional consequence: retained intron. Not counted in ClinVar's aggregate classification.

Dr. Peter K. Rogan Lab, Western University
No classification provided (evidence only). Condition: Ovarian serous cystadenocarcinoma. Review status: no classification provided. Collection method: in vitro. Allele origin: not applicable. Functional consequence: retained intron. Not counted in ClinVar's aggregate classification.

Dr. Peter K. Rogan Lab, Western University
No classification provided (evidence only). Condition: Uveal melanoma. Review status: no classification provided. Collection method: in vitro. Allele origin: not applicable. Functional consequence: retained intron. Not counted in ClinVar's aggregate classification.

Cardiovascular Biomedical Research Unit, Royal Brompton & Harefield NHS Foundation Trust
Classification: Uncertain significance for Primary dilated cardiomyopathy. Last evaluated: 2014-10-08. Review status: flagged submission. Criteria: Roberts et al. 2015. Collection method: research. Allele origin: germline. Inheritance: Autosomal dominant inheritance. Affected: no. Observed: 1 variant allele. Study: FHS cohort. Not counted in ClinVar's aggregate classification.
Comment: the same text as in the submission from Cardiovascular Biomedical Research Unit, Royal Brompton & Harefield NHS Foundation Trust above.
ClinVar note: Reason: This record appears to be redundant with a more recent record from the same submitter.
ClinVar note: Notes: SCV000189734 appears to be redundant with SCV000189757.

Literature cited by the submitters: PubMed 30615648 (cited by Women's Health and Genetics/Laboratory Corporation of America, LabCorp); PubMed 25589632 (cited by 4 submitters); PubMed 17576681 (cited by Labcorp Genetics (formerly Invitae), Labcorp); PubMed 9536098 (cited by Labcorp Genetics (formerly Invitae), Labcorp); PubMed 23975875 (cited by Labcorp Genetics (formerly Invitae), Labcorp); PubMed 28045975 (cited by Victorian Clinical Genetics Services, Murdoch Childrens Research Institute).